The following is an entry in ClinVar:

NM_000222.3(KIT):c.1718C>A (p.Pro573Gln)

Gene: KIT (KIT proto-oncogene, receptor tyrosine kinase; plus strand). Cytogenetic location: 4q12.
Variant type: single nucleotide variant.
Coding change: c.1718C>A on transcript NM_000222.3 (MANE Select); coding-DNA position 1718, C replaced by A.
Protein change: p.Pro573Gln; replaces proline 573 with glutamine.
Molecular consequence: missense variant.
Genome position (GRCh38, 1-based): chr4:54,727,486, C>A. VCF-style: chr4-54727486-C-A. GRCh37 (hg19) VCF-style: chr4-55593652-C-A.
Other names: c.1706C>A, p.Pro569Gln (NM_001093772.2, NM_001385286.1); c.1721C>A, p.Pro574Gln (NM_001385284.1, NM_001385290.1); c.1718C>A, p.Pro573Gln (NM_001385285.1); c.1709C>A, p.Pro570Gln (NM_001385288.1, NM_001385292.1); short protein forms P573Q, P570Q, P574Q, P569Q.
Identifiers: ClinVar variation 1428745 (VCV001428745.6), dbSNP rs1722312031, ClinGen allele CA356907560.
Genomic context (GRCh38, chr4:54,727,486, plus strand): 5'-ATGAAGTACAGTGGAAGGTTGTTGAGGAGATAAATGGAAACAATTATGTTTACATAGACC[C>A]AACACAACTTCCTTATGATCACAAATGGGAGTTTCCCAGAAACAGGCTGAGTTTTGGTCA-3'
Protein context (NP_000213.1, residues 563-583): INGNNYVYID[Pro573Gln]TQLPYDHKWE

ClinVar aggregate classification (germline): Uncertain significance (1 of 4 stars; one submission).

Conditions:
Gastrointestinal stromal tumor. Also called: Gastrointestinal stroma tumor; Gastrointestinal stromal tumor, somatic. Identifiers: Orphanet 44890, MedGen C0238198, MeSH D046152, MONDO:0011719, OMIM 606764, HP:0100723.

Allele frequency attached by ClinVar (database versions not stated): TOPMed below 0.00001.

Submission:

Labcorp Genetics (formerly Invitae), Labcorp
Classification: Uncertain significance for Gastrointestinal stromal tumor. Last evaluated: 2022-10-28. Review status: criteria provided, single submitter. Criteria: Invitae Variant Classification Sherloc (09022015). Collection method: clinical testing. Allele origin: germline.
Comment: This sequence change replaces proline, which is neutral and non-polar, with glutamine, which is neutral and polar, at codon 573 of the KIT protein (p.Pro573Gln). In summary, the available evidence is currently insufficient to determine the role of this variant in disease. Therefore, it has been classified as a Variant of Uncertain Significance. Algorithms developed to predict the effect of missense changes on protein structure and function (SIFT, PolyPhen-2, Align-GVGD) all suggest that this variant is likely to be disruptive. ClinVar contains an entry for this variant (Variation ID: 1428745). This variant has not been reported in the literature in individuals affected with KIT-related conditions. This variant is not present in population databases (gnomAD no frequency).